The following is an entry in ClinVar:

NM_001127222.2(CACNA1A):c.6724G>A (p.Asp2242Asn)

Genes: CACNA1A (calcium voltage-gated channel subunit alpha1 A; minus strand), LOC130063717 (ATAC-STARR-seq lymphoblastoid silent region 10203; plus strand). Cytogenetic location: 19p13.13.
Variant type: single nucleotide variant.
Coding change: c.6724G>A on transcript NM_001127222.2 (MANE Select); coding-DNA position 6724, G replaced by A.
Protein change: p.Asp2242Asn; replaces aspartic acid 2242 with asparagine.
Molecular consequence: missense variant.
Genome position (GRCh38, 1-based): chr19:13,208,812, C>T on the plus strand (G>A on the coding strand, the complement: CACNA1A is on the minus strand). VCF-style: chr19-13208812-C-T. GRCh37 (hg19) VCF-style: chr19-13319626-C-T.
Other names: c.6742G>A, p.Asp2248Asn (NM_000068.4, NM_023035.3); c.6727G>A, p.Asp2243Asn (NM_001127221.2); c.6733G>A, p.Asp2245Asn (NM_001174080.2); short protein forms D2245N, D2248N, D2243N, D2242N.
Identifiers: ClinVar variation 1507783 (VCV001507783.6), dbSNP rs2054681171, ClinGen allele CA404329553.

ClinVar aggregate classification (germline): Uncertain significance (1 of 4 stars; one submission).

Conditions:
Episodic ataxia type 2 (EA2). Also called: ATAXIA, EPISODIC, WITH NYSTAGMUS; ATAXIA, FAMILIAL PAROXYSMAL; CEREBELLAR ATAXIA, PAROXYSMAL, ACETAZOLAMIDE-RESPONSIVE; CEREBELLOPATHY, HEREDITARY PAROXYSMAL; ACETAZOLAMIDE-RESPONSIVE HEREDITARY PAROXYSMAL CEREBELLAR ATAXIA; EPISODIC ATAXIA, NYSTAGMUS-ASSOCIATED. Identifiers: Orphanet 97, MedGen C1720416, MONDO:0007163, OMIM 108500.
Developmental and epileptic encephalopathy, 42 (DEE42A). Also called: DEVELOPMENTAL AND EPILEPTIC ENCEPHALOPATHY 42A; EPILEPTIC ENCEPHALOPATHY, EARLY INFANTILE, 42A; Epileptic encephalopathy, early infantile, 42. Identifiers: MedGen C4310716, MONDO:0014917, OMIM 617106.

Submission:

Labcorp Genetics (formerly Invitae), Labcorp
Classification: Uncertain significance for Developmental and epileptic encephalopathy, 42; Episodic ataxia type 2. Last evaluated: 2022-08-23. Review status: criteria provided, single submitter. Criteria: Invitae Variant Classification Sherloc (09022015). Collection method: clinical testing. Allele origin: germline.
Comment: Advanced modeling of protein sequence and biophysical properties (such as structural, functional, and spatial information, amino acid conservation, physicochemical variation, residue mobility, and thermodynamic stability) performed at Invitae indicates that this missense variant is not expected to disrupt CACNA1A protein function. ClinVar contains an entry for this variant (Variation ID: 1507783). This variant has not been reported in the literature in individuals affected with CACNA1A-related conditions. This variant is not present in population databases (gnomAD no frequency). In summary, the available evidence is currently insufficient to determine the role of this variant in disease. Therefore, it has been classified as a Variant of Uncertain Significance. This sequence change replaces aspartic acid, which is acidic and polar, with asparagine, which is neutral and polar, at codon 2243 of the CACNA1A protein (p.Asp2243Asn).